The following is an entry in ClinVar:

NM_000297.4(PKD2):c.2126A>G (p.His709Arg)

Gene: PKD2 (polycystin 2, transient receptor potential cation channel; plus strand). Cytogenetic location: 4q22.1.
Variant type: single nucleotide variant.
Coding change: c.2126A>G on transcript NM_000297.4 (MANE Select); coding-DNA position 2126, A replaced by G.
Protein change: p.His709Arg; replaces histidine 709 with arginine.
Molecular consequence: missense variant. On other transcripts: non-coding transcript variant (1).
Genome position (GRCh38, 1-based): chr4:88,065,381, A>G. VCF-style: chr4-88065381-A-G. GRCh37 (hg19) VCF-style: chr4-88986533-A-G.
Other names: c.1901A>G, p.His634Arg (NM_001440544.1); short protein forms H709R, H634R.
Identifiers: ClinVar variation 4762143 (VCV004762143.1).

ClinVar aggregate classification (germline): Uncertain significance (1 of 4 stars; one submission).

Conditions:
Autosomal dominant polycystic kidney disease. Identifiers: Orphanet 730, MedGen C0085413, MONDO:0004691.

gnomAD v4.1: 5 of 1,612,124 alleles (0.00031%); highest among the groups gnomAD compares: Non-Finnish European, 0.00042%; no homozygotes.

Submission:

Labcorp Genetics (formerly Invitae), Labcorp
Classification: Uncertain significance for Autosomal dominant polycystic kidney disease. Last evaluated: 2025-05-12. Review status: criteria provided, single submitter. Criteria: Invitae Variant Classification Sherloc (09022015). Collection method: clinical testing. Allele origin: germline.
Comment: This sequence change replaces histidine, which is basic and polar, with arginine, which is basic and polar, at codon 709 of the PKD2 protein (p.His709Arg). This variant is present in population databases (rs767123701, gnomAD 0.0009%). This variant has not been reported in the literature in individuals affected with PKD2-related conditions. Invitae Evidence Modeling of protein sequence and biophysical properties (such as structural, functional, and spatial information, amino acid conservation, physicochemical variation, residue mobility, and thermodynamic stability) indicates that this missense variant is not expected to disrupt PKD2 protein function with a negative predictive value of 80%. In summary, the available evidence is currently insufficient to determine the role of this variant in disease. Therefore, it has been classified as a Variant of Uncertain Significance.